The following is an entry in ClinVar:

ClinVar aggregate classification (germline): Uncertain significance. Review status: criteria provided, multiple submitters, no conflicts (2 of 4 stars). 4 submissions from 4 submitters: Uncertain significance (4). Last evaluated 2025-10-21.

Conditions:
Hereditary cancer-predisposing syndrome. Also called: Tumor predisposition; Neoplastic Syndromes, Hereditary; Hereditary Cancer Syndrome; Hereditary neoplastic syndrome. Identifiers: Orphanet 140162, MedGen C0027672, MeSH D009386, MONDO:0015356.
Familial cancer of breast. Also called: Hereditary breast cancer; hereditary breast carcinoma; BREAST CANCER, FAMILIAL. Identifiers: Orphanet 227535, MedGen C0346153, MONDO:0016419, OMIM 114480. Disease mechanism: loss of function.

Allele frequency attached by ClinVar (database versions not stated): gnomAD 0.00001.

Submissions (4):

Labcorp Genetics (formerly Invitae), Labcorp
Classification: Uncertain significance for Familial cancer of breast. Last evaluated: 2025-10-21. Review status: criteria provided, single submitter. Criteria: Invitae Variant Classification Sherloc (09022015). Collection method: clinical testing. Allele origin: germline.
Comment: This sequence change replaces serine, which is neutral and polar, with leucine, which is neutral and non-polar, at codon 192 of the CHEK2 protein (p.Ser192Leu). This variant is not present in population databases (gnomAD no frequency). This variant has not been reported in the literature in individuals affected with CHEK2-related conditions. ClinVar contains an entry for this variant (Variation ID: 1521435). An algorithm developed to predict the effect of missense changes on protein structure and function (PolyPhen-2) suggests that this variant is likely to be disruptive. In summary, the available evidence is currently insufficient to determine the role of this variant in disease. Therefore, it has been classified as a Variant of Uncertain Significance.

Ambry Genetics
Classification: Uncertain significance for Hereditary cancer-predisposing syndrome. Last evaluated: 2025-03-23. Review status: criteria provided, single submitter. Criteria: Ambry Variant Classification Scheme 2023. Collection method: clinical testing. Allele origin: germline.
Comment: The p.S192L variant (also known as c.575C>T), located in coding exon 3 of the CHEK2 gene, results from a C to T substitution at nucleotide position 575. The serine at codon 192 is replaced by leucine, an amino acid with dissimilar properties. This alteration was reported in a study of 1297 cases of early-onset breast cancer and 1121 controls (Young EL et al. J Med Genet, 2016 06;53:366-76). This amino acid position is highly conserved in available vertebrate species. In addition, this alteration is predicted to be deleterious by in silico analysis. Since supporting evidence is limited at this time, the clinical significance of this alteration remains unclear.

CeGaT Center for Human Genetics Tuebingen
Classification: Uncertain significance. Last evaluated: 2024-11-01. Review status: criteria provided, single submitter. Criteria: CeGaT Center For Human Genetics Tuebingen Variant Classification Criteria Version 2. Collection method: clinical testing. Allele origin: germline. Affected: yes. Observed: 1 variant allele.
Comment: CHEK2: PM2, BP1

Baylor Genetics
Classification: Uncertain significance for Familial cancer of breast. Last evaluated: 2023-07-31. Review status: criteria provided, single submitter. Criteria: ACMG Guidelines, 2015. Collection method: clinical testing. Allele origin: unknown.

Literature cited by the submitters: PubMed 26787654 (cited by Ambry Genetics).

NM_007194.4(CHEK2):c.575C>T (p.Ser192Leu)

Gene: CHEK2 (checkpoint kinase 2; minus strand). Cytogenetic location: 22q12.1.
Variant type: single nucleotide variant.
Coding change: c.575C>T on transcript NM_007194.4 (MANE Select); coding-DNA position 575, C replaced by T.
Protein change: p.Ser192Leu; replaces serine 192 with leucine.
Molecular consequence: missense variant. On other transcripts: 5 prime UTR variant (2), intron variant (1).
Genome position (GRCh38, 1-based): chr22:28,724,994, G>A on the plus strand (C>T on the coding strand, the complement: CHEK2 is on the minus strand). VCF-style: chr22-28724994-G-A. GRCh37 (hg19) VCF-style: chr22-29120982-G-A.
Other names: c.704C>T, p.Ser235Leu (NM_001005735.3, NM_001438294.1); c.-203C>T (NM_001257387.3); c.-89C>T (NM_001437942.1); c.668C>T, p.Ser223Leu (NM_001438293.1, NM_001438295.1); c.575C>T, p.Ser192Leu (NM_145862.3); c.445-71C>T (NM_001349956.3); short protein forms S192L, S235L, S223L.
Identifiers: ClinVar variation 1521435 (VCV001521435.26), dbSNP rs899211928, ClinGen allele CA411107030.
Genomic context (GRCh38, chr22:28,724,994, plus strand): 5'-GTGGAAAAAAAAAATTCCAGTAACCATAAGATAATAATATTACCTTTATTTCTGCTTAGT[G>A]ACAGTGCAATTTCAGAATTGTTATTCAAAGGACGGCGTTTTCCTTTCCCTACAAGCTCTG-3'
Protein context (NP_009125.1, residues 182-202): PLNNNSEIAL[Ser192Leu]LSRNKVFVFF